The following is an entry in ClinVar:

NM_002506.3(NGF):c.124C>G (p.His42Asp)

Genes: NGF (nerve growth factor; minus strand), NGF-AS1 (NGF antisense RNA 1; plus strand). Cytogenetic location: 1p13.2.
Variant type: single nucleotide variant.
Coding change: c.124C>G on transcript NM_002506.3 (MANE Select); coding-DNA position 124, C replaced by G.
Protein change: p.His42Asp; replaces histidine 42 with aspartic acid.
Molecular consequence: missense variant.
Genome position (GRCh38, 1-based): chr1:115,286,672, G>C on the plus strand (C>G on the coding strand, the complement: NGF is on the minus strand). VCF-style: chr1-115286672-G-C. GRCh37 (hg19) VCF-style: chr1-115829293-G-C.
Other names: short protein forms H42D.
Identifiers: ClinVar variation 1477163 (VCV001477163.8), dbSNP rs1258866875, ClinGen allele CA341837183.

ClinVar aggregate classification (germline): Uncertain significance (1 of 4 stars; one submission).

Conditions:
Congenital sensory neuropathy with selective loss of small myelinated fibers (HSAN5). Also called: HSAN Type V. Identifiers: Orphanet 64752, MedGen C0020075, MONDO:0012092, OMIM 608654.

Allele frequency attached by ClinVar (database versions not stated): gnomAD exomes below 0.00001.
gnomAD v4.1: 1 of 1,614,248 alleles (0.000062%); highest among the groups gnomAD compares: Admixed American, 0.0017%; no homozygotes.

Submission:

Labcorp Genetics (formerly Invitae), Labcorp
Classification: Uncertain significance for Congenital sensory neuropathy with selective loss of small myelinated fibers. Last evaluated: 2022-07-30. Review status: criteria provided, single submitter. Criteria: Invitae Variant Classification Sherloc (09022015). Collection method: clinical testing. Allele origin: germline.
Comment: Algorithms developed to predict the effect of missense changes on protein structure and function are either unavailable or do not agree on the potential impact of this missense change (SIFT: "Tolerated"; PolyPhen-2: "Probably Damaging"; Align-GVGD: "Class C0"). This sequence change replaces histidine, which is basic and polar, with aspartic acid, which is acidic and polar, at codon 42 of the NGF protein (p.His42Asp). This variant is present in population databases (no rsID available, gnomAD 0.003%). This variant has not been reported in the literature in individuals affected with NGF-related conditions. ClinVar contains an entry for this variant (Variation ID: 1477163). In summary, the available evidence is currently insufficient to determine the role of this variant in disease. Therefore, it has been classified as a Variant of Uncertain Significance.